The following is an entry in ClinVar:

ClinVar aggregate classification (germline): Likely pathogenic (1 of 4 stars; one submission).

Conditions:
Hyperekplexia 3 (HKPX3). Also called: HYPEREKPLEXIA 3, AUTOSOMAL RECESSIVE; HYPEREKPLEXIA 3, AUTOSOMAL DOMINANT. Identifiers: Orphanet 3197, MedGen C3553288, MONDO:0013827, OMIM 614618.

gnomAD v4.1: 1 of 1,581,436 alleles (0.000063%); highest among the groups gnomAD compares: Non-Finnish European, 0.000087%; no homozygotes.

Submission:

Labcorp Genetics (formerly Invitae), Labcorp
Classification: Likely pathogenic for Hyperekplexia 3. Last evaluated: 2025-06-17. Review status: criteria provided, single submitter. Criteria: Invitae Variant Classification Sherloc (09022015). Collection method: clinical testing. Allele origin: germline.
Comment: This sequence change replaces tyrosine, which is neutral and polar, with cysteine, which is neutral and slightly polar, at codon 656 of the SLC6A5 protein (p.Tyr656Cys). This variant is not present in population databases (gnomAD no frequency). This variant has not been reported in the literature in individuals affected with SLC6A5-related conditions. Invitae Evidence Modeling of protein sequence and biophysical properties (such as structural, functional, and spatial information, amino acid conservation, physicochemical variation, residue mobility, and thermodynamic stability) indicates that this missense variant is expected to disrupt SLC6A5 protein function with a positive predictive value of 95%. Algorithms developed to predict the effect of sequence changes on RNA splicing suggest that this variant may create or strengthen a splice site. This variant disrupts the p.Tyr656 amino acid residue in SLC6A5. Other variant(s) that disrupt this residue have been determined to be pathogenic (PMID: 22700964, 24030948). This suggests that this residue is clinically significant, and that variants that disrupt this residue are likely to be disease-causing. In summary, the currently available evidence indicates that the variant is pathogenic, but additional data are needed to prove that conclusively. Therefore, this variant has been classified as Likely Pathogenic.

Literature cited by the submitters: PubMed 22700964; PubMed 24030948.

NM_004211.5(SLC6A5):c.1967A>G (p.Tyr656Cys)

Gene: SLC6A5 (solute carrier family 6 member 5; plus strand). Cytogenetic location: 11p15.1.
Variant type: single nucleotide variant.
Coding change: c.1967A>G on transcript NM_004211.5 (MANE Select); coding-DNA position 1967, A replaced by G.
Protein change: p.Tyr656Cys; replaces tyrosine 656 with cysteine.
Molecular consequence: missense variant.
Genome position (GRCh38, 1-based): chr11:20,638,556, A>G. VCF-style: chr11-20638556-A-G. GRCh37 (hg19) VCF-style: chr11-20660102-A-G.
Other names: c.1265A>G, p.Tyr422Cys (NM_001318369.2); short protein forms Y656C, Y422C.
Identifiers: ClinVar variation 4750146 (VCV004750146.1).